The following is an entry in ClinVar:

ClinVar aggregate classification (germline): Benign/Likely benign. Review status: criteria provided, multiple submitters, no conflicts (2 of 4 stars). 5 submissions from 5 submitters: Benign (1); Likely benign (3). 1 of the submissions does not count toward it. Last evaluated 2026-01-31.

Conditions:
UNC80-related disorder. Also called: UNC80-related condition.
Hypotonia, infantile, with psychomotor retardation and characteristic facies 2 (IHPRF2). Also called: UNC80 Deficiency. Identifiers: Orphanet 371364, Orphanet 700333, MedGen C4225203, MONDO:0014777, OMIM 616801.

Allele frequency attached by ClinVar (database versions not stated): gnomAD exomes 0.00122 and 0.00276; ExAC 0.00445; ESP Exome Variant Server 0.00788; TOPMed 0.01272; 1000 Genomes Project 0.01338; 1000 Genomes Project 30x 0.01343.
gnomAD v4.1: 3,497 of 1,552,182 alleles (0.23%); highest among the groups gnomAD compares: African/African-American, 3.6%; 49 homozygotes.

Submissions (5):

Labcorp Genetics (formerly Invitae), Labcorp
Classification: Benign. Last evaluated: 2026-01-31. Review status: criteria provided, single submitter. Criteria: Invitae Variant Classification Sherloc (09022015). Collection method: clinical testing. Allele origin: germline.

Fulgent Genetics
Classification: Likely benign for Hypotonia, infantile, with psychomotor retardation and characteristic facies 2. Last evaluated: 2021-08-04. Review status: criteria provided, single submitter. Criteria: ACMG Guidelines, 2015. Collection method: clinical testing. Allele origin: unknown.

Center for Pediatric Genomic Medicine, Children's Mercy Hospital and Clinics
Classification: Likely benign. Last evaluated: 2017-04-19. Review status: criteria provided, single submitter. Criteria: ACMG Guidelines, 2015. Collection method: clinical testing. Allele origin: germline.

Breakthrough Genomics
Classification: Likely benign. Review status: criteria provided, single submitter. Criteria: ACMG Guidelines, 2015. Collection method: not provided. Allele origin: germline. Inheritance: Autosomal recessive inheritance. Affected: yes.

PreventionGenetics, part of Exact Sciences
Classification: Benign for UNC80-related condition. Last evaluated: 2019-04-25. Review status: no assertion criteria provided. Collection method: clinical testing. Allele origin: germline. Not counted in ClinVar's aggregate classification.
Comment: This variant is classified as benign based on ACMG/AMP sequence variant interpretation guidelines (Richards et al. 2015 PMID: 25741868, with internal and published modifications).

NM_001371986.1(UNC80):c.9752C>G (p.Thr3251Arg)

Gene: UNC80 (unc-80 subunit of NALCN channel complex; plus strand). Cytogenetic location: 2q34.
Variant type: single nucleotide variant.
Coding change: c.9752C>G on transcript NM_001371986.1 (MANE Select); coding-DNA position 9752, C replaced by G.
Protein change: p.Thr3251Arg; replaces threonine 3251 with arginine.
Molecular consequence: missense variant.
Genome position (GRCh38, 1-based): chr2:209,995,372, C>G. VCF-style: chr2-209995372-C-G. GRCh37 (hg19) VCF-style: chr2-210860096-C-G.
Other names: c.9554C>G, p.Thr3185Arg (NM_032504.2); c.9482C>G, p.Thr3161Arg (NM_182587.4); short protein forms T3185R, T3161R, T3251R.
Identifiers: ClinVar variation 445362 (VCV000445362.17), dbSNP rs59504201, ClinGen allele CA2083711.
Genomic context (GRCh38, chr2:209,995,372, plus strand): 5'-GATCCTTTTGATCACAGAGTGAGAACTTCCCCACTGAAGAAGGAGAAAAGGAGGAGGACA[C>G]AGAAGCACAAGGTGCTACTGCACACAGTCCACTCTCTGCCCAACTCTCTGACCCTGATGA-3'
Protein context (NP_001358915.1, residues 3241-3261): PTEEGEKEED[Thr3251Arg]EAQGATAHSP